The following is an entry in ClinVar:

NM_006642.5(SDCCAG8):c.1473+9G>A

Gene: SDCCAG8 (SHH signaling and ciliogenesis regulator SDCCAG8; plus strand). Cytogenetic location: 1q43.
Variant type: single nucleotide variant.
Coding change: c.1473+9G>A on transcript NM_006642.5 (MANE Select); 9 bases into the intron after coding-DNA position 1473, G replaced by A.
Molecular consequence: intron variant.
Genome position (GRCh38, 1-based): chr1:243,344,340, G>A. VCF-style: chr1-243344340-G-A. GRCh37 (hg19) VCF-style: chr1-243507642-G-A.
Other names: c.1179+9G>A (NM_001350249.2); c.570+9G>A (NM_001350251.2, NM_001350246.2, NM_001350247.2); c.1569+9G>A (NM_001350248.2).
Identifiers: ClinVar variation 3354677 (VCV003354677.1).

ClinVar aggregate classification (germline): Likely benign (0 of 4 stars; one submission).

Conditions:
SDCCAG8-related disorder. Also called: SDCCAG8-Related Disorders; SDCCAG8-related condition.

gnomAD v4.1: 2 of 1,548,874 alleles (0.00013%); highest among the groups gnomAD compares: Non-Finnish European, 0.00018%; no homozygotes.

Submission:

PreventionGenetics, part of Exact Sciences
Classification: Likely benign for SDCCAG8-related condition. Last evaluated: 2024-07-26. Review status: no assertion criteria provided. Collection method: clinical testing. Allele origin: germline.
Comment: This variant is classified as likely benign based on ACMG/AMP sequence variant interpretation guidelines (Richards et al. 2015 PMID: 25741868, with internal and published modifications).